The following is an entry in ClinVar:

ClinVar aggregate classification (germline): Uncertain significance (1 of 4 stars; one submission).

Allele frequency attached by ClinVar (database versions not stated): ExAC 0.00001; gnomAD exomes 0.00001.

Submission:

Labcorp Genetics (formerly Invitae), Labcorp
Classification: Uncertain significance. Last evaluated: 2023-04-14. Review status: criteria provided, single submitter. Criteria: Invitae Variant Classification Sherloc (09022015). Collection method: clinical testing. Allele origin: germline.
Comment: In summary, the available evidence is currently insufficient to determine the role of this variant in disease. Therefore, it has been classified as a Variant of Uncertain Significance. Advanced modeling of protein sequence and biophysical properties (such as structural, functional, and spatial information, amino acid conservation, physicochemical variation, residue mobility, and thermodynamic stability) has been performed at Invitae for this missense variant, however the output from this modeling did not meet the statistical confidence thresholds required to predict the impact of this variant on SCN3A protein function. This variant has not been reported in the literature in individuals affected with SCN3A-related conditions. This variant is present in population databases (rs751390002, gnomAD 0.003%). This sequence change replaces arginine, which is basic and polar, with histidine, which is basic and polar, at codon 394 of the SCN3A protein (p.Arg394His).

NM_006922.4(SCN3A):c.1181G>A (p.Arg394His)

Gene: SCN3A (sodium voltage-gated channel alpha subunit 3; minus strand). Cytogenetic location: 2q24.3.
Variant type: single nucleotide variant.
Coding change: c.1181G>A on transcript NM_006922.4 (MANE Select); coding-DNA position 1181, G replaced by A.
Protein change: p.Arg394His; replaces arginine 394 with histidine.
Molecular consequence: missense variant.
Genome position (GRCh38, 1-based): chr2:165,154,651, C>T on the plus strand (G>A on the coding strand, the complement: SCN3A is on the minus strand). VCF-style: chr2-165154651-C-T. GRCh37 (hg19) VCF-style: chr2-166011161-C-T.
Other names: c.1181G>A, p.Arg394His (NM_001081676.2, NM_001081677.2); short protein forms R394H.
Identifiers: ClinVar variation 2869633 (VCV002869633.3), dbSNP rs751390002, ClinGen allele CA1939205.